The following is an entry in ClinVar:

ClinVar aggregate classification (germline): Pathogenic (1 of 4 stars; one submission).

Conditions:
Multiple endocrine neoplasia, type 1 (MEN1). Also called: MEA I; MEN I; WERMER SYNDROME; Endocrine adenomatosis multiple; MEN 1. Identifiers: Orphanet 652, MedGen C0025267, MeSH D018761, MONDO:0007540, OMIM 131100.

Submission:

Labcorp Genetics (formerly Invitae), Labcorp
Classification: Pathogenic for Multiple endocrine neoplasia, type 1. Last evaluated: 2018-08-23. Review status: criteria provided, single submitter. Criteria: Invitae Variant Classification Sherloc (09022015). Collection method: clinical testing. Allele origin: germline.
Comment: For these reasons, this variant has been classified as Pathogenic. Loss-of-function variants in MEN1 are known to be pathogenic (PMID: 12112656, 17853334). This variant has not been reported in the literature in individuals with MEN1-related disease. This variant is not present in population databases (ExAC no frequency). This sequence change creates a premature translational stop signal (p.Cys165*) in the MEN1 gene. It is expected to result in an absent or disrupted protein product.

Literature cited by the submitters: PubMed 12112656; PubMed 17853334.

NM_001370259.2(MEN1):c.495C>A (p.Cys165Ter)

Gene: MEN1 (menin 1; minus strand). Cytogenetic location: 11q13.1.
Variant type: single nucleotide variant.
Coding change: c.495C>A on transcript NM_001370259.2 (MANE Select); coding-DNA position 495, C replaced by A.
Protein change: p.Cys165Ter; replaces cysteine 165 with a stop codon.
Molecular consequence: nonsense.
Genome position (GRCh38, 1-based): chr11:64,808,050, G>T on the plus strand (C>A on the coding strand, the complement: MEN1 is on the minus strand). VCF-style: chr11-64808050-G-T. GRCh37 (hg19) VCF-style: chr11-64575522-G-T.
Other names: c.510C>A, p.Cys170Ter (NM_000244.4, NM_130800.3, NM_130801.3 and 3 more transcripts); c.495C>A, p.Cys165Ter (NM_001370251.2, NM_001370260.2, NM_001370261.2 and 3 more transcripts); short protein forms C170*, C165*.
Identifiers: ClinVar variation 640227 (VCV000640227.6), dbSNP rs1592651767, ClinGen allele CA381186105.
Genomic context (GRCh38, chr11:64,808,050, plus strand): 5'-CACTACCCAGGCATGATCCTCAGACAGGGCGAGGTGGACATCCCGGAGACCCAGGGCCTG[G>T]CAGGCCCCAACCACAGCAAAGGCCACACCGGAGCTGTCCAATTTGGTGCCTGTGGAAGGG-3'